The following is an entry in ClinVar:

NM_138395.4(MARS2):c.1138C>T (p.Pro380Ser)

Gene: MARS2 (methionyl-tRNA synthetase 2, mitochondrial; plus strand). Cytogenetic location: 2q33.1.
Variant type: single nucleotide variant.
Coding change: c.1138C>T on transcript NM_138395.4 (MANE Select); coding-DNA position 1138, C replaced by T.
Protein change: p.Pro380Ser; replaces proline 380 with serine.
Molecular consequence: missense variant.
Genome position (GRCh38, 1-based): chr2:197,706,543, C>T. VCF-style: chr2-197706543-C-T. GRCh37 (hg19) VCF-style: chr2-198571267-C-T.
Other names: short protein forms P380S.
Identifiers: ClinVar variation 1713468 (VCV001713468.5), dbSNP rs751735248, ClinGen allele CA2044699.
Genomic context (GRCh38, chr2:197,706,543, plus strand): 5'-ACTTGCCTTAACCGCTATACCGTGGATGGCTTCCGCTACTTTCTCCTTCGGCAGGGCGTC[C>T]CCAACTGGGACTGTGACTACTATGATGAAAAGGTGGTTAAGTTGCTGAACTCCGAGCTGG-3'
Protein context (NP_612404.1, residues 370-390): FRYFLLRQGV[Pro380Ser]NWDCDYYDEK

ClinVar aggregate classification (germline): Uncertain significance (1 of 4 stars; one submission).

Allele frequency attached by ClinVar (database versions not stated): ExAC 0.00001; gnomAD exomes 0.00001.
gnomAD v4.1: 3 of 1,614,244 alleles (0.00019%); highest among the groups gnomAD compares: South Asian, 0.0022%; no homozygotes.

Submission:

Labcorp Genetics (formerly Invitae), Labcorp
Classification: Uncertain significance. Last evaluated: 2026-01-19. Review status: criteria provided, single submitter. Criteria: Invitae Variant Classification Sherloc (09022015). Collection method: clinical testing. Allele origin: germline.
Comment: This sequence change replaces proline, which is neutral and non-polar, with serine, which is neutral and polar, at codon 380 of the MARS2 protein (p.Pro380Ser). This variant is present in population databases (rs751735248, gnomAD 0.003%). This variant has not been reported in the literature in individuals affected with MARS2-related conditions. ClinVar contains an entry for this variant (Variation ID: 1713468). Invitae Evidence Modeling of protein sequence and biophysical properties (such as structural, functional, and spatial information, amino acid conservation, physicochemical variation, residue mobility, and thermodynamic stability) indicates that this missense variant is not expected to disrupt MARS2 protein function with a negative predictive value of 80%. In summary, the available evidence is currently insufficient to determine the role of this variant in disease. Therefore, it has been classified as a Variant of Uncertain Significance.